The following is an entry in ClinVar:

NM_000264.5(PTCH1):c.2975A>G (p.Glu992Gly)

Gene: PTCH1 (patched 1; minus strand). Cytogenetic location: 9q22.32.
Variant type: single nucleotide variant.
Coding change: c.2975A>G on transcript NM_000264.5 (MANE Select); coding-DNA position 2975, A replaced by G.
Protein change: p.Glu992Gly; replaces glutamic acid 992 with glycine.
Molecular consequence: missense variant. On other transcripts: non-coding transcript variant (1).
Genome position (GRCh38, 1-based): chr9:95,458,206, T>C on the plus strand (A>G on the coding strand, the complement: PTCH1 is on the minus strand). VCF-style: chr9-95458206-T-C. GRCh37 (hg19) VCF-style: chr9-98220488-T-C.
Other names: c.2777A>G, p.Glu926Gly (NM_001083602.3); c.2972A>G, p.Glu991Gly (NM_001083603.3); c.2522A>G, p.Glu841Gly (NM_001083604.3, NM_001083605.3, NM_001083606.3 and 1 more transcripts); c.2819A>G, p.Glu940Gly (NM_001354918.2); short protein forms E841G, E940G, E991G, E926G, E992G.
Identifiers: ClinVar variation 3014725 (VCV003014725.4), dbSNP rs767250750, ClinGen allele CA5138275.

ClinVar aggregate classification (germline): Conflicting classifications of pathogenicity. Review status: criteria provided, conflicting classifications (1 of 4 stars). 2 submissions from 2 submitters: Uncertain significance (1); Benign (1). Last evaluated 2023-12-20.

Conditions:
Hereditary cancer-predisposing syndrome. Also called: Hereditary neoplastic syndrome; Hereditary Cancer Syndrome; Neoplastic Syndromes, Hereditary; Tumor predisposition. Identifiers: Orphanet 140162, MedGen C0027672, MeSH D009386, MONDO:0015356.
Gorlin syndrome. Also called: Nevoid Basal Cell Carcinoma Syndrome; Basal cell nevus syndrome. Identifiers: Orphanet 377, MedGen C0004779, MONDO:0007187.

Allele frequency attached by ClinVar (database versions not stated): ExAC 0.00001; gnomAD exomes 0.00001.
gnomAD v4.1: 4 of 1,614,102 alleles (0.00025%); highest among the groups gnomAD compares: South Asian, 0.0044%; no homozygotes.

Submissions (2):

Ambry Genetics
Classification: Uncertain significance for Hereditary cancer-predisposing syndrome. Last evaluated: 2023-12-20. Review status: criteria provided, single submitter. Criteria: Ambry Variant Classification Scheme 2023. Collection method: clinical testing. Allele origin: germline.
Comment: The p.E992G variant (also known as c.2975A>G), located in coding exon 18 of the PTCH1 gene, results from an A to G substitution at nucleotide position 2975. The glutamic acid at codon 992 is replaced by glycine, an amino acid with similar properties. This amino acid position is highly conserved in available vertebrate species. In addition, the in silico prediction for this alteration is inconclusive. Since supporting evidence is limited at this time, the clinical significance of this alteration remains unclear.

Labcorp Genetics (formerly Invitae), Labcorp
Classification: Benign for Gorlin syndrome. Last evaluated: 2023-02-21. Review status: criteria provided, single submitter. Criteria: Invitae Variant Classification Sherloc (09022015). Collection method: clinical testing. Allele origin: germline.